The following is an entry in ClinVar:

NM_005219.5(DIAPH1):c.3172A>T (p.Asn1058Tyr)

Gene: DIAPH1 (diaphanous related formin 1; minus strand). Cytogenetic location: 5q31.3.
Variant type: single nucleotide variant.
Coding change: c.3172A>T on transcript NM_005219.5 (MANE Select); coding-DNA position 3172, A replaced by T.
Protein change: p.Asn1058Tyr; replaces asparagine 1058 with tyrosine.
Molecular consequence: missense variant.
Genome position (GRCh38, 1-based): chr5:141,527,674, T>A on the plus strand (A>T on the coding strand, the complement: DIAPH1 is on the minus strand). VCF-style: chr5-141527674-T-A. GRCh37 (hg19) VCF-style: chr5-140907241-T-A.
Other names: c.3145A>T, p.Asn1049Tyr (NM_001079812.3); c.3172A>T, p.Asn1058Tyr (NM_001314007.2); short protein forms N1058Y, N1049Y.
Identifiers: ClinVar variation 1355396 (VCV001355396.8), dbSNP rs2154594979, ClinGen allele CA361581633.

ClinVar aggregate classification (germline): Uncertain significance (1 of 4 stars; one submission).

Conditions:
Autosomal dominant nonsyndromic hearing loss 1. Also called: KONIGSMARK SYNDROME; DEAFNESS, AUTOSOMAL DOMINANT 1, WITH OR WITHOUT THROMBOCYTOPENIA. Identifiers: Orphanet 90635, MedGen C1852282, MONDO:0007424, OMIM 124900.
Progressive microcephaly-seizures-cortical blindness-developmental delay syndrome. Also called: Seizures, cortical blindness, and microcephaly syndrome. Identifiers: Orphanet 477814, MedGen C5567650, MONDO:0014714, OMIM 616632.

Submission:

Labcorp Genetics (formerly Invitae), Labcorp
Classification: Uncertain significance for Progressive microcephaly-seizures-cortical blindness-developmental delay syndrome; Autosomal dominant nonsyndromic hearing loss 1. Last evaluated: 2025-01-22. Review status: criteria provided, single submitter. Criteria: Invitae Variant Classification Sherloc (09022015). Collection method: clinical testing. Allele origin: germline.
Comment: This sequence change replaces asparagine, which is neutral and polar, with tyrosine, which is neutral and polar, at codon 1058 of the DIAPH1 protein (p.Asn1058Tyr). This variant is not present in population databases (gnomAD no frequency). This variant has not been reported in the literature in individuals affected with DIAPH1-related conditions. ClinVar contains an entry for this variant (Variation ID: 1355396). An algorithm developed to predict the effect of missense changes on protein structure and function (PolyPhen-2) suggests that this variant is likely to be disruptive. In summary, the available evidence is currently insufficient to determine the role of this variant in disease. Therefore, it has been classified as a Variant of Uncertain Significance.